The following is an entry in ClinVar:

NM_000260.4(MYO7A):c.1846C>T (p.Arg616Trp)

Gene: MYO7A (myosin VIIA; plus strand). Cytogenetic location: 11q13.5.
Variant type: single nucleotide variant.
Coding change: c.1846C>T on transcript NM_000260.4 (MANE Select); coding-DNA position 1846, C replaced by T.
Protein change: p.Arg616Trp; replaces arginine 616 with tryptophan.
Molecular consequence: missense variant.
Genome position (GRCh38, 1-based): chr11:77,172,796, C>T. VCF-style: chr11-77172796-C-T. GRCh37 (hg19) VCF-style: chr11-76883842-C-T.
Other names: c.1846C>T, p.Arg616Trp (NM_001127180.2); c.1813C>T, p.Arg605Trp (NM_001369365.1); short protein forms R616W, R605W.
Identifiers: ClinVar variation 43160 (VCV000043160.61), dbSNP rs369195493, ClinGen allele CA132223.

ClinVar aggregate classification (germline): Uncertain significance. Review status: criteria provided, multiple submitters, no conflicts (2 of 4 stars). 15 submissions from 15 submitters: Uncertain significance (11). 4 of the submissions do not count toward it. Last evaluated 2026-09-21.

Conditions:
MYO7A-related disorder. Also called: MYO7A-related disorders.
Usher syndrome type 1 (USH1). Also called: RETINITIS PIGMENTOSA AND CONGENITAL DEAFNESS. Identifiers: Orphanet 231169, Orphanet 886, MedGen C1568247, MONDO:0010168, OMIM 276900.
Autosomal recessive nonsyndromic hearing loss 2. Also called: NEUROSENSORY NONSYNDROMIC RECESSIVE DEAFNESS 2; DEAFNESS, AUTOSOMAL RECESSIVE 2. Identifiers: Orphanet 90636, MedGen C1838701, MONDO:0010807, OMIM 600060.
Retinal dystrophy. Also called: Inherited retinal dystrophy. Identifiers: Orphanet 71862, MedGen C0854723, MeSH D058499, MONDO:0019118, HP:0000556.
Autosomal dominant nonsyndromic hearing loss 11. Identifiers: Orphanet 90635, MedGen C1832475, MONDO:0011032, OMIM 601317.
Usher syndrome type 1B (USH1B). Also called: Usher syndrome type IB. Identifiers: MedGen C1848638, MONDO:0700087.

Allele frequency attached by ClinVar (database versions not stated): gnomAD exomes 0.00013; gnomAD 0.00018 and 0.00019; ESP Exome Variant Server 0.00008; TOPMed 0.00011; ExAC 0.00028.
gnomAD v4.1: 464 of 1,558,958 alleles (0.03%); highest among the groups gnomAD compares: Non-Finnish European, 0.037%; no homozygotes.

Submissions (15):

PreventionGenetics, part of Exact Sciences
Classification: Uncertain significance for MYO7A-related condition. Last evaluated: 2026-09-21. Review status: criteria provided, single submitter. Criteria: ACMG Guidelines, 2015. Collection method: clinical testing. Allele origin: germline.
Comment: The MYO7A c.1846C>T variant is predicted to result in the amino acid substitution p.Arg616Trp. This variant was reported in the homozygous state in an individual with retinal dystrophy (supplementary data, Iancu et al. 2021. PubMed ID: 33623043). This variant was also reported in an individual with non-syndromic hearing loss (Table S1, Sommen et al. 2016. PubMed ID: 27068579). This variant is reported in 0.027% of alleles in individuals of European (Non-Finnish) descent in gnomAD. At this time, the clinical significance of this variant is uncertain due to the absence of conclusive functional and genetic evidence.

GeneDx
Classification: Uncertain significance. Last evaluated: 2026-09-11. Review status: criteria provided, single submitter. Criteria: GeneDx Variant Classification Process June 2021. Collection method: clinical testing. Allele origin: germline.
Comment: Observed in an individual with hearing loss in published literature; specific patient information is not available (PMID: 27068579); In silico analysis supports that this missense variant has a deleterious effect on protein structure/function; This variant is associated with the following publications: (PMID: 34426522, 33623043, 27068579)

Labcorp Genetics (formerly Invitae), Labcorp
Classification: Uncertain significance. Last evaluated: 2026-01-23. Review status: criteria provided, single submitter. Criteria: Invitae Variant Classification Sherloc (09022015). Collection method: clinical testing. Allele origin: germline.
Comment: This sequence change replaces arginine, which is basic and polar, with tryptophan, which is neutral and slightly polar, at codon 616 of the MYO7A protein (p.Arg616Trp). This variant is present in population databases (rs369195493, gnomAD 0.03%). This missense change has been observed in individual(s) with inherited retinal dystrophy and/or non-syndromic hearing loss (PMID: 27068579, 33623043). ClinVar contains an entry for this variant (Variation ID: 43160). Invitae Evidence Modeling of protein sequence and biophysical properties (such as structural, functional, and spatial information, amino acid conservation, physicochemical variation, residue mobility, and thermodynamic stability) indicates that this missense variant is expected to disrupt MYO7A protein function with a positive predictive value of 80%. In summary, the available evidence is currently insufficient to determine the role of this variant in disease. Therefore, it has been classified as a Variant of Uncertain Significance.

Blueprint Genetics
Classification: Uncertain significance. Last evaluated: 2024-09-20. Review status: criteria provided, single submitter. Criteria: ACMG Guidelines, 2015. Collection method: clinical testing. Allele origin: germline.

Women's Health and Genetics/Laboratory Corporation of America, LabCorp
Classification: Uncertain significance. Last evaluated: 2024-01-12. Review status: criteria provided, single submitter. Criteria: LabCorp Variant Classification Summary - May 2015. Collection method: clinical testing. Allele origin: germline.
Comment: Variant summary: MYO7A c.1846C>T (p.Arg616Trp) results in a non-conservative amino acid change located in the Myosin head, motor domain (IPR001609) of the encoded protein sequence. Five of five in-silico tools predict a damaging effect of the variant on protein function. The variant allele was found at a frequency of 0.0003 in 1552046 control chromosomes (i.e. 464 heterozygotes) in the gnomAD database (v4 dataset). This frequency is not higher than the estimated maximum expected for a pathogenic variant in MYO7A causing Usher Syndrome (0.0061), allowing no conclusion about variant significance. c.1846C>T has been reported in the literature in an individual affected with non-syndromic hearing loss (second variant not specified), and in a homozygous patient affected retinal dystrophy, which belong to the Usher syndrome phenotype spectrum (Sommen_2016, Iancu_2021). These data indicate that the variant may be associated with disease. To our knowledge, no experimental evidence demonstrating an impact on protein function has been reported. ClinVar contains an entry for this variant (Variation ID: 43160). Based on the evidence outlined above, the variant was classified as VUS-possibly pathogenic.

CeGaT Center for Human Genetics Tuebingen
Classification: Uncertain significance. Last evaluated: 2022-06-01. Review status: criteria provided, single submitter. Criteria: CeGaT Center For Human Genetics Tuebingen Variant Classification Criteria Version 2. Collection method: clinical testing. Allele origin: germline. Affected: yes. Observed: 1 variant allele.
Comment: MYO7A: PP3

Clinical Genetics Laboratory, Skane University Hospital Lund
Classification: Uncertain significance. Last evaluated: 2022-05-27. Review status: criteria provided, single submitter. Criteria: ACMG Guidelines, 2015. Collection method: clinical testing. Allele origin: germline. Affected: yes.

Fulgent Genetics
Classification: Uncertain significance for Usher syndrome type 1; Autosomal recessive nonsyndromic hearing loss 2; Autosomal dominant nonsyndromic hearing loss 11. Last evaluated: 2022-05-09. Review status: criteria provided, single submitter. Criteria: ACMG Guidelines, 2015. Collection method: clinical testing. Allele origin: unknown.

Institute of Human Genetics, Univ. Regensburg, Univ. Regensburg
Classification: Uncertain significance for Retinal dystrophy. Last evaluated: 2021-01-01. Review status: criteria provided, single submitter. Criteria: ACMG Guidelines, 2015. Collection method: clinical testing. Allele origin: germline. Affected: yes.

ARUP Laboratories, Molecular Genetics and Genomics, ARUP Laboratories
Classification: Uncertain significance. Last evaluated: 2018-07-31. Review status: criteria provided, single submitter. Criteria: ARUP Molecular Germline Variant Investigation Process. Collection method: clinical testing. Allele origin: germline.
Comment: The p.Arg616Trp variant (rs369195493) has been previously identified in cohort of patients with suspected autosomal recessive hearing loss (Sommen 2016); however, no clinically relevant details were provided to independently assess the significance of this observation. This variant is also listed in the ClinVar database as a variant of uncertain significance (Variation ID: 43160). It is listed in the Genome Aggregation Database (gnomAD) browser with a frequency in non-Finnish Europeans populations of 0.03% (identified in 21 out of 79,010 chromosomes). The arginine at codon 616 is moderately conserved considering 13 species (Alamut software v2.9), although computational analyses suggest this variant has a significant effect on MYO7A protein structure/function (SIFT: damaging, PolyPhen2: probably damaging, and Mutation Taster: disease causing). However, based on the available information, the clinical significance of the p.Arg616Trp variant cannot be determined with certainty.

Laboratory for Molecular Medicine, Mass General Brigham Personalized Medicine
Classification: Uncertain significance. Last evaluated: 2017-02-28. Review status: criteria provided, single submitter. Criteria: LMM Criteria. Collection method: clinical testing. Allele origin: germline. Observed: 3 variant alleles.
Comment: The p.Arg616Trp variant in MYO7A has been reported in 2 individuals with sensori neural hearing loss and segregated with disease in one relative (Sommen 2016, LM M data). It has been identified in 4/9492 of European chromosomes by the Exome A ggregation Consortium (ExAC; dbSNP rs369195493). Computational prediction tools and conservation analysis do not provide strong support for or against an impact to the protein. In summary, the clinical signif icance of the p.Arg616Trp is uncertain.

Natera, Inc.
Classification: Uncertain significance for Usher syndrome type 1B. Last evaluated: 2020-01-17. Review status: no assertion criteria provided. Collection method: clinical testing. Allele origin: germline. Not counted in ClinVar's aggregate classification.

Counsyl
Classification: Uncertain significance for Usher syndrome type 1; Autosomal recessive nonsyndromic hearing loss 2. Last evaluated: 2017-03-06. Review status: no assertion criteria provided. Collection method: clinical testing. Allele origin: unknown. Not counted in ClinVar's aggregate classification.

Clinical Genetics DNA and cytogenetics Diagnostics Lab, Erasmus MC, Erasmus Medical Center
Classification: Uncertain significance. Review status: no assertion criteria provided. Collection method: clinical testing. Allele origin: germline. Affected: yes. Study: VKGL Data-share Consensus. Not counted in ClinVar's aggregate classification.

Joint Genome Diagnostic Labs from Nijmegen and Maastricht, Radboudumc and MUMC+
Classification: Uncertain significance. Review status: no assertion criteria provided. Collection method: clinical testing. Allele origin: germline. Affected: yes. Study: VKGL Data-share Consensus. Not counted in ClinVar's aggregate classification.

Literature cited by the submitters: PubMed 27068579 (cited by 5 submitters); PubMed 33623043 (cited by Labcorp Genetics (formerly Invitae), Labcorp and Women's Health and Genetics/Laboratory Corporation of America, LabCorp); PubMed 3442652 (cited by Institute of Human Genetics, Univ. Regensburg, Univ. Regensburg).